The following is an entry in ClinVar:

ClinVar aggregate classification (germline): Likely pathogenic. Review status: criteria provided, single submitter (1 of 4 stars). 2 submissions from 2 submitters: Likely pathogenic (1). 1 of the submissions does not count toward it. Last evaluated 2022-03-22.

Conditions:
Hereditary fructosuria. Also called: ALDOB DEFICIENCY; ALDOLASE B DEFICIENCY; FRUCTOSE-1,6-BISPHOSPHATE ALDOLASE B DEFICIENCY; FRUCTOSE-1-PHOSPHATE ALDOLASE DEFICIENCY; FRUCTOSEMIA; Hereditary fructose intolerance. Identifiers: Orphanet 469, MedGen C0016751, MONDO:0009249, OMIM 229600, HP:0005973. Disease mechanism: loss of function.

Allele frequency attached by ClinVar (database versions not stated): TOPMed below 0.00001.
gnomAD v4.1: 2 of 1,613,840 alleles (0.00012%); highest among the groups gnomAD compares: Non-Finnish European, 0.00017%; no homozygotes.

Submissions (2):

Labcorp Genetics (formerly Invitae), Labcorp
Classification: Likely pathogenic for Hereditary fructosuria. Last evaluated: 2022-03-22. Review status: criteria provided, single submitter. Criteria: Invitae Variant Classification Sherloc (09022015). Collection method: clinical testing. Allele origin: germline.
Comment: This sequence change affects an acceptor splice site in intron 2 of the ALDOB gene. It is expected to disrupt RNA splicing. Variants that disrupt the donor or acceptor splice site typically lead to a loss of protein function (PMID: 16199547), and loss-of-function variants in ALDOB are known to be pathogenic (PMID: 18541450). This variant is present in population databases (rs748663340, gnomAD 0.0009%). Disruption of this splice site has been observed in individual(s) with hereditary fructose intolerance (PMID: 15880727). ClinVar contains an entry for this variant (Variation ID: 945681). Algorithms developed to predict the effect of sequence changes on RNA splicing suggest that this variant may disrupt the consensus splice site. In summary, the currently available evidence indicates that the variant is pathogenic, but additional data are needed to prove that conclusively. Therefore, this variant has been classified as Likely Pathogenic.

ATS em Genética Clínica, Universidade Federal do Rio Grande do Sul
Classification: Likely pathogenic for Hereditary fructosuria. Last evaluated: 2021-03-18. Review status: no assertion criteria provided. Collection method: literature only. Allele origin: unknown. Affected: yes. Not counted in ClinVar's aggregate classification.

Literature cited by the submitters: PubMed 16199547 (cited by Labcorp Genetics (formerly Invitae), Labcorp); PubMed 18541450 (cited by Labcorp Genetics (formerly Invitae), Labcorp); PubMed 15880727 (cited by Labcorp Genetics (formerly Invitae), Labcorp and ATS em Genética Clínica, Universidade Federal do Rio Grande do Sul).

NM_000035.4(ALDOB):c.113-1G>A

Gene: ALDOB (aldolase, fructose-bisphosphate B; minus strand). Cytogenetic location: 9q31.1.
Variant type: single nucleotide variant.
Coding change: c.113-1G>A on transcript NM_000035.4 (MANE Select); the canonical splice acceptor site of the intron before coding-DNA position 113, G replaced by A.
Molecular consequence: splice acceptor variant.
Genome position (GRCh38, 1-based): chr9:101,429,967, C>T on the plus strand (G>A on the coding strand, the complement: ALDOB is on the minus strand). VCF-style: chr9-101429967-C-T. GRCh37 (hg19) VCF-style: chr9-104192249-C-T.
Identifiers: ClinVar variation 945681 (VCV000945681.10), dbSNP rs748663340, ClinGen allele CA5161723.
Genomic context (GRCh38, chr9:101,429,967, plus strand): 5'-GCCGGCGGTTCTCTTCAGTGTTTTCCACCTTGATCCTCTGCAGGCGGTTCCCCATGGTAC[C>T]TATGGTGGGAGGGCCAAGGGCAGCATAAGGAGCAAGCCAGGGCTTTCCTGTCACCCTTCT-3'